The following is an entry in ClinVar:

NM_001369.3(DNAH5):c.2983+6_2983+8del

Genes: DNAH5 (dynein axonemal heavy chain 5; minus strand), DNAH5-AS1 (DNAH5 antisense RNA 1; plus strand). Cytogenetic location: 5p15.2.
Variant type: Microsatellite.
Coding change: c.2983+6_2983+8del on transcript NM_001369.3 (MANE Select); bases 6 to 8 of the intron after coding-DNA position 2983, 3 bases deleted (AAT; older notation c.2983+6_2983+8delAAT).
Molecular consequence: splice donor variant.
Genome position (GRCh38, 1-based): chr5:13,884,981-13,884,983, ATT deleted on the plus strand (AAT on the coding strand, the reverse complement: DNAH5 is on the minus strand); deleting any 3 consecutive bases within chr5:13,884,981-13,884,987 gives the same sequence; the c. name uses the placement nearest the transcript's 3' end. VCF-style (leftmost placement, unchanged base first): chr5-13884980-GATT-G. GRCh37 (hg19) VCF-style: chr5-13885089-GATT-G.
Identifiers: ClinVar variation 5004015 (VCV005004015.1).
Genomic context (GRCh38, chr5:13,884,980, plus strand): 5'-ACACACACACACACATACCCCAGCAACTATGCCTGATCATCCACTAAGCAAACCACACAA[GATT>G]ATTACCCCGGAAGTTAATTGTGTGAGAGGAATGAATACGTTTGCGAATGGCCTCTAGTGT-3'

ClinVar aggregate classification (germline): Uncertain significance (1 of 4 stars; one submission).

Conditions:
Primary ciliary dyskinesia 3. Identifiers: Orphanet 244, MedGen C1837618, MONDO:0012085, OMIM 608644.

Submission:

Myriad Genetics, Inc.
Classification: Uncertain significance for Primary ciliary dyskinesia 3. Last evaluated: 2026-08-13. Review status: criteria provided, single submitter. Criteria: Myriad Autosomal Dominant, Autosomal Recessive and X-Linked Classification Criteria (2023). Collection method: clinical testing. Allele origin: unknown.
Comment: NM_001369.2(DNAH5):c.2983+6_2983+8delAAT is an intronic variant classified as a variant of uncertain significance in the context of primary ciliary dyskinesia, DNAH5-related. c.2983+6_2983+8delAAT has not been observed in cases with relevant disease. Relevant functional assessments of this variant are not available in the literature. c.2983+6_2983+8delAAT has not been observed in referenced population frequency databases. In summary, there is insufficient evidence to classify NM_001369.2(DNAH5):c.2983+6_2983+8delAAT as pathogenic or benign. Please note: this variant was assessed in the context of healthy population screening.